The following is an entry in ClinVar:

NM_020338.4(ZMIZ1):c.569A>G (p.Asn190Ser)

Gene: ZMIZ1 (zinc finger MIZ-type containing 1; plus strand). Cytogenetic location: 10q22.3.
Variant type: single nucleotide variant.
Coding change: c.569A>G on transcript NM_020338.4 (MANE Select); coding-DNA position 569, A replaced by G.
Protein change: p.Asn190Ser; replaces asparagine 190 with serine.
Molecular consequence: missense variant.
Genome position (GRCh38, 1-based): chr10:79,290,987, A>G. VCF-style: chr10-79290987-A-G. GRCh37 (hg19) VCF-style: chr10-81050744-A-G.
Other names: short protein forms N190S.
Identifiers: ClinVar variation 2430368 (VCV002430368.2), dbSNP rs1853456705, ClinGen allele CA377331992.
Genomic context (GRCh38, chr10:79,290,987, plus strand): 5'-ACCTTAGGTGACAACCACTTCTCTGCCCACAGGTCCTTGGGAACCCTATGGCCAATGCCA[A>G]CAACCCCATGAATCCAGGCGGCAACCCCATGGCGTCGGGCATGACCACCAGCAACCCAGG-3'
Protein context (NP_065071.1, residues 180-200): QVLGNPMANA[Asn190Ser]NPMNPGGNPM

ClinVar aggregate classification (germline): Uncertain significance (1 of 4 stars; one submission).

Conditions:
Neurodevelopmental disorder with dysmorphic facies and distal skeletal anomalies. Identifiers: MedGen C5231448, MONDO:0032855, OMIM 618659.

Allele frequency attached by ClinVar (database versions not stated): gnomAD exomes below 0.00001; TOPMed below 0.00001.
gnomAD v4.1: 1 of 1,614,144 alleles (0.000062%); highest among the groups gnomAD compares: Non-Finnish European, 0.000085%; no homozygotes.

Submission:

Centre of Medical Genetics, University Hospital Muenster
Classification: Uncertain significance for Neurodevelopmental disorder with dysmorphic facies and distal skeletal anomalies. Last evaluated: 2023-01-11. Review status: criteria provided, single submitter. Criteria: ACMG Guidelines, 2015. Collection method: clinical testing. Allele origin: unknown. Affected: yes. Observed: 1 variant allele, 1 heterozygote.
Comment: ACMG categories: PM2